The following is an entry in ClinVar:

NM_015047.3(EMC1):c.463C>T (p.His155Tyr)

Gene: EMC1 (ER membrane protein complex subunit 1; minus strand). Cytogenetic location: 1p36.13.
Variant type: single nucleotide variant.
Coding change: c.463C>T on transcript NM_015047.3 (MANE Select); coding-DNA position 463, C replaced by T.
Protein change: p.His155Tyr; replaces histidine 155 with tyrosine.
Molecular consequence: missense variant.
Genome position (GRCh38, 1-based): chr1:19,242,391, G>A on the plus strand (C>T on the coding strand, the complement: EMC1 is on the minus strand). VCF-style: chr1-19242391-G-A. GRCh37 (hg19) VCF-style: chr1-19568885-G-A.
Other names: c.463C>T, p.His155Tyr (NM_001271427.2, NM_001271428.2, NM_001375820.1 and 1 more transcripts); c.397C>T, p.His133Tyr (NM_001271429.2); short protein forms H133Y, H155Y.
Identifiers: ClinVar variation 2757944 (VCV002757944.3), dbSNP rs2536799024, ClinGen allele CA338770606.

ClinVar aggregate classification (germline): Uncertain significance (1 of 4 stars; one submission).

Submission:

Labcorp Genetics (formerly Invitae), Labcorp
Classification: Uncertain significance. Last evaluated: 2023-09-04. Review status: criteria provided, single submitter. Criteria: Invitae Variant Classification Sherloc (09022015). Collection method: clinical testing. Allele origin: germline.
Comment: This variant has not been reported in the literature in individuals affected with EMC1-related conditions. This variant is not present in population databases (gnomAD no frequency). This sequence change replaces histidine, which is basic and polar, with tyrosine, which is neutral and polar, at codon 155 of the EMC1 protein (p.His155Tyr). Advanced modeling of protein sequence and biophysical properties (such as structural, functional, and spatial information, amino acid conservation, physicochemical variation, residue mobility, and thermodynamic stability) performed at Invitae indicates that this missense variant is not expected to disrupt EMC1 protein function. In summary, the available evidence is currently insufficient to determine the role of this variant in disease. Therefore, it has been classified as a Variant of Uncertain Significance.